The following is an entry in ClinVar:

NM_000455.5(STK11):c.503A>C (p.His168Pro)

Gene: STK11 (serine/threonine kinase 11; plus strand). Cytogenetic location: 19p13.3.
Variant type: single nucleotide variant.
Coding change: c.503A>C on transcript NM_000455.5 (MANE Select); coding-DNA position 503, A replaced by C.
Protein change: p.His168Pro; replaces histidine 168 with proline.
Molecular consequence: missense variant. On other transcripts: non-coding transcript variant (1).
Genome position (GRCh38, 1-based): chr19:1,220,411, A>C. VCF-style: chr19-1220411-A-C. GRCh37 (hg19) VCF-style: chr19-1220410-A-C.
Other names: c.503A>C, p.His168Pro (NM_001407255.1); short protein forms H168P.
Identifiers: ClinVar variation 3572082 (VCV003572082.3).

ClinVar aggregate classification (germline): Uncertain significance. Review status: criteria provided, multiple submitters, no conflicts (2 of 4 stars). 2 submissions from 2 submitters: Uncertain significance (2). Last evaluated 2024-10-09.

Conditions:
Peutz-Jeghers syndrome (PJS). Also called: POLYPOSIS, HAMARTOMATOUS INTESTINAL; POLYPS-AND-SPOTS SYNDROME; Peutz-Jeghers polyposis; Periorificial lentiginosis syndrome. Identifiers: Orphanet 2869, MedGen C0031269, MeSH D010580, MONDO:0008280, OMIM 175200.

Submissions (2):

Labcorp Genetics (formerly Invitae), Labcorp
Classification: Uncertain significance for Peutz-Jeghers syndrome. Last evaluated: 2024-10-09. Review status: criteria provided, single submitter. Criteria: Invitae Variant Classification Sherloc (09022015). Collection method: clinical testing. Allele origin: germline.
Comment: This sequence change replaces histidine, which is basic and polar, with proline, which is neutral and non-polar, at codon 168 of the STK11 protein (p.His168Pro). This variant is not present in population databases (gnomAD no frequency). This variant has not been reported in the literature in individuals affected with STK11-related conditions. Invitae Evidence Modeling of protein sequence and biophysical properties (such as structural, functional, and spatial information, amino acid conservation, physicochemical variation, residue mobility, and thermodynamic stability) has been performed for this missense variant. However, the output from this modeling did not meet the statistical confidence thresholds required to predict the impact of this variant on STK11 protein function. In summary, the available evidence is currently insufficient to determine the role of this variant in disease. Therefore, it has been classified as a Variant of Uncertain Significance.

Quest Diagnostics Nichols Institute San Juan Capistrano
Classification: Uncertain significance. Last evaluated: 2024-01-05. Review status: criteria provided, single submitter. Criteria: Quest Diagnostics criteria. Collection method: clinical testing. Allele origin: unknown.
Comment: The STK11 c.503A>C (p.His168Pro) variant has not been reported in individuals with STK11-related conditions in the published literature. It also has not been reported in large, multi-ethnic general populations (Genome Aggregation Database). Analysis of this variant using bioinformatics tools for the prediction of the effect of amino acid changes on protein structure and function yielded predictions that this variant is damaging. Based on the available information, we are unable to determine the clinical significance of this variant.